The following is an entry in ClinVar:

ClinVar aggregate classification (germline): Uncertain significance (1 of 4 stars; one submission).

Conditions:
Hypertrophic cardiomyopathy. Also called: HYPERTROPHIC MYOCARDIOPATHY. Identifiers: Orphanet 217569, MedGen C0007194, MeSH D002312, MONDO:0005045, HP:0001639.

Submission:

Labcorp Genetics (formerly Invitae), Labcorp
Classification: Uncertain significance for Hypertrophic cardiomyopathy. Last evaluated: 2025-01-23. Review status: criteria provided, single submitter. Criteria: Invitae Variant Classification Sherloc (09022015). Collection method: clinical testing. Allele origin: germline.
Comment: This variant, c.3789_3791del, results in the deletion of 1 amino acid(s) of the MYBPC3 protein (p.Cys1264del), but otherwise preserves the integrity of the reading frame. This variant is not present in population databases (gnomAD no frequency). This variant has been observed in individual(s) with hypertrophic cardiomyopathy (internal data). Experimental studies and prediction algorithms are not available or were not evaluated, and the functional significance of this variant is currently unknown. This variant disrupts a region of the MYBPC3 protein in which other variant(s) (p.Cys1264Phe) have been observed in individuals with MYBPC3-related conditions (PMID: 33782553). This suggests that this is a clinically significant region of the protein, and that variants that disrupt it are likely to be disease-causing. In summary, the available evidence is currently insufficient to determine the role of this variant in disease. Therefore, it has been classified as a Variant of Uncertain Significance.

Literature cited by the submitters: PubMed 33782553.

NM_000256.3(MYBPC3):c.3789_3791del (p.Cys1264del)

Gene: MYBPC3 (myosin binding protein C3; minus strand). Cytogenetic location: 11p11.2.
Variant type: Deletion.
Coding change: c.3789_3791del on transcript NM_000256.3 (MANE Select); coding-DNA positions 3789 to 3791, 3 bases deleted (GTG; older notation c.3789_3791delGTG).
Protein change: p.Cys1264del; deletes cysteine 1264.
Genome position (GRCh38, 1-based): chr11:47,332,095-47,332,097, CAC deleted on the plus strand (GTG on the coding strand, the reverse complement: MYBPC3 is on the minus strand); deleting any 3 consecutive bases within chr11:47,332,095-47,332,098 gives the same sequence; the c. name uses the placement nearest the transcript's 3' end. VCF-style (leftmost placement, unchanged base first): chr11-47332094-ACAC-A. GRCh37 (hg19) VCF-style: chr11-47353645-ACAC-A.
Other names: short protein forms C1264del.
Identifiers: ClinVar variation 3729530 (VCV003729530.2).